The following is an entry in ClinVar:

ClinVar aggregate classification (germline): Uncertain significance (1 of 4 stars; one submission).

gnomAD v4.1: 20 of 1,613,972 alleles (0.0012%); highest among the groups gnomAD compares: African/African-American, 0.0027%; no homozygotes.

Submission:

Labcorp Genetics (formerly Invitae), Labcorp
Classification: Uncertain significance. Last evaluated: 2025-04-09. Review status: criteria provided, single submitter. Criteria: Invitae Variant Classification Sherloc (09022015). Collection method: clinical testing. Allele origin: germline.
Comment: This sequence change replaces alanine, which is neutral and non-polar, with threonine, which is neutral and polar, at codon 1334 of the ATRN protein (p.Ala1334Thr). This variant is present in population databases (rs745653334, gnomAD 0.004%). This variant has not been reported in the literature in individuals affected with ATRN-related conditions. An algorithm developed to predict the effect of missense changes on protein structure and function (PolyPhen-2) suggests that this variant is likely to be tolerated. In summary, the available evidence is currently insufficient to determine the role of this variant in disease. Therefore, it has been classified as a Variant of Uncertain Significance.

NM_139321.3(ATRN):c.4000G>A (p.Ala1334Thr)

Gene: ATRN (attractin; plus strand). Cytogenetic location: 20p13.
Variant type: single nucleotide variant.
Coding change: c.4000G>A on transcript NM_139321.3 (MANE Select); coding-DNA position 4000, G replaced by A.
Protein change: p.Ala1334Thr; replaces alanine 1334 with threonine.
Molecular consequence: missense variant.
Genome position (GRCh38, 1-based): chr20:3,638,885, G>A. VCF-style: chr20-3638885-G-A. GRCh37 (hg19) VCF-style: chr20-3619532-G-A.
Other names: short protein forms A1334T.
Identifiers: ClinVar variation 4707371 (VCV004707371.1).